The following is an entry in ClinVar:

NM_024529.5(CDC73):c.*518A>G

Gene: CDC73 (cell division cycle 73; plus strand). Cytogenetic location: 1q31.2.
Variant type: single nucleotide variant.
Coding change: c.*518A>G on transcript NM_024529.5 (MANE Select); 518 bases downstream of the stop codon, A replaced by G.
Molecular consequence: 3 prime UTR variant.
Genome position (GRCh38, 1-based): chr1:193,251,230, A>G. VCF-style: chr1-193251230-A-G. GRCh37 (hg19) VCF-style: chr1-193220360-A-G.
Identifiers: ClinVar variation 294419 (VCV000294419.5), dbSNP rs190433473, ClinGen allele CA10609145.
Genomic context (GRCh38, chr1:193,251,230, plus strand): 5'-ATCAGAATGTCAACTTGTATGTACACTATATCTACACTTACTCATTATTTAAAAAGAATA[A>G]TGAAAAATCTAGATCAATTCTTCAATTTGATTGAACTGTTCAGCCTTTTCAAGATTTCTT-3'

ClinVar aggregate classification (germline): Benign/Likely benign. Review status: criteria provided, single submitter (1 of 4 stars). 3 submissions from 1 submitter: Benign (2); Likely benign (1). Last evaluated 2018-01-12.

Conditions:
Hyperparathyroidism 1 (HRPT1). Also called: HYPERPARATHYROIDISM, FAMILIAL ISOLATED PRIMARY. Identifiers: Orphanet 99879, MedGen C1840402, MONDO:0007767, OMIM 145000.
Parathyroid carcinoma (PRTC). Also called: Parathyroid gland carcinoma; CDC73-Related Parathyroid Carcinoma. Identifiers: Orphanet 143, MedGen C0687150, MONDO:0012004, OMIM 608266, HP:0006780.
Hyperparathyroidism 2 with jaw tumors. Also called: Hyperparathyroidism 2; HYPERPARATHYROIDISM, FAMILIAL PRIMARY, WITH MULTIPLE OSSIFYING JAW FIBROMAS; HYPERPARATHYROIDISM-JAW TUMOR SYNDROME, HEREDITARY; Hyperparathyroidism-Jaw Tumor Syndrome. Identifiers: Orphanet 99880, MedGen C1704981, MONDO:0007768, OMIM 145001.

Allele frequency attached by ClinVar (database versions not stated): gnomAD exomes 0.00040; 1000 Genomes Project 0.00180; gnomAD 0.00182 and 0.00195; TOPMed 0.00200; 1000 Genomes Project 30x 0.00250.
gnomAD v4.1: 312 of 232,722 alleles (0.13%); highest among the groups gnomAD compares: African/African-American, 0.64%; no homozygotes.

Submissions (3):

Illumina Laboratory Services, Illumina
Classification: Likely benign for Hyperparathyroidism 1. Last evaluated: 2018-01-12. Review status: criteria provided, single submitter. Criteria: ICSL Variant Classification Criteria 13 December 2019. Collection method: clinical testing. Allele origin: germline.
Comment: This variant was observed in the ICSL laboratory as part of a predisposition screen in an ostensibly healthy population. It had not been previously curated by ICSL or reported in the Human Gene Mutation Database (HGMD: prior to June 1st, 2018), and was therefore a candidate for classification through an automated scoring system. Utilizing variant allele frequency, disease prevalence and penetrance estimates, and inheritance mode, an automated score was calculated to assess if this variant is too frequent to cause the disease. Based on the score and internal cut-off values, a variant classified as likely benign is not then subjected to further curation. The score for this variant resulted in a classification of likely benign for this disease.

Illumina Laboratory Services, Illumina
Classification: Benign for Hyperparathyroidism 2 with jaw tumors. Last evaluated: 2018-01-12. Review status: criteria provided, single submitter. Criteria: ICSL Variant Classification Criteria 13 December 2019. Collection method: clinical testing. Allele origin: germline.
Comment: This variant was observed in the ICSL laboratory as part of a predisposition screen in an ostensibly healthy population. It had not been previously curated by ICSL or reported in the Human Gene Mutation Database (HGMD: prior to June 1st, 2018), and was therefore a candidate for classification through an automated scoring system. Utilizing variant allele frequency, disease prevalence and penetrance estimates, and inheritance mode, an automated score was calculated to assess if this variant is too frequent to cause the disease. Based on the score and internal cut-off values, a variant classified as benign is not then subjected to further curation. The score for this variant resulted in a classification of benign for this disease.

Illumina Laboratory Services, Illumina
Classification: Benign for Parathyroid carcinoma. Last evaluated: 2018-01-12. Review status: criteria provided, single submitter. Criteria: ICSL Variant Classification Criteria 13 December 2019. Collection method: clinical testing. Allele origin: germline.
Comment: the same text as in the submission from Illumina Laboratory Services, Illumina above.